The following is an entry in ClinVar:

NC_000023.10:g.(?_32366503)_(32591983_?)del

Gene: DMD (dystrophin; minus strand). Cytogenetic location: Xp21.1.
Variant type: Deletion.
Identifiers: ClinVar variation 2424892 (VCV002424892.5).

ClinVar aggregate classification (germline): Pathogenic (1 of 4 stars; one submission).

Conditions:
Duchenne muscular dystrophy (DMD). Also called: Duchenne Muscular Dystrophy (DMD); MUSCULAR DYSTROPHY, PSEUDOHYPERTROPHIC PROGRESSIVE, DUCHENNE TYPE. Identifiers: Orphanet 98896, MedGen C0013264, MONDO:0010679, OMIM 310200.

Submission:

Labcorp Genetics (formerly Invitae), Labcorp
Classification: Pathogenic for Duchenne muscular dystrophy. Last evaluated: 2021-11-30. Review status: criteria provided, single submitter. Criteria: Invitae Variant Classification Sherloc (09022015). Collection method: clinical testing. Allele origin: germline.
Comment: For these reasons, this variant has been classified as Pathogenic. This variant disrupts a region of the DMD protein in which other variant(s) (Deletion (Exon 14)) have been determined to be pathogenic (PMID: 19040728, 23453023). This suggests that this is a clinically significant region of the protein, and that variants that disrupt it are likely to be disease-causing. This variant has not been reported in the literature in individuals affected with DMD-related conditions. This variant is a gross deletion of the genomic region encompassing exon(s) 14-38 of the DMD gene. This variant would be expected to be in-frame, preserving the integrity of the reading frame.

Literature cited by the submitters: PubMed 19040728; PubMed 23453023.